The following is an entry in ClinVar:

NM_002386.4(MC1R):c.409G>A (p.Ala137Thr)

Gene: MC1R (melanocortin 1 receptor; plus strand). Cytogenetic location: 16q24.3.
Variant type: single nucleotide variant.
Coding change: c.409G>A on transcript NM_002386.4 (MANE Select); coding-DNA position 409, G replaced by A.
Protein change: p.Ala137Thr; replaces alanine 137 with threonine.
Molecular consequence: missense variant.
Genome position (GRCh38, 1-based): chr16:89,919,667, G>A. VCF-style: chr16-89919667-G-A. GRCh37 (hg19) VCF-style: chr16-89986075-G-A.
Other names: short protein forms A137T.
Identifiers: ClinVar variation 845572 (VCV000845572.9), dbSNP rs1484000912, ClinGen allele CA397460628.

ClinVar aggregate classification (germline): Uncertain significance (1 of 4 stars; one submission).

Conditions:
Melanoma, cutaneous malignant, susceptibility to, 5. Also called: Cutaneous malignant melanoma 5. Identifiers: Orphanet 618, MedGen C2751295, MONDO:0013133, OMIM 613099.

Allele frequency attached by ClinVar (database versions not stated): gnomAD exomes below 0.00001; TOPMed 0.00001.
gnomAD v4.1: 6 of 1,606,148 alleles (0.00037%); highest among the groups gnomAD compares: East Asian, 0.0022%; no homozygotes.

Submission:

Labcorp Genetics (formerly Invitae), Labcorp
Classification: Uncertain significance for Melanoma, cutaneous malignant, susceptibility to, 5. Last evaluated: 2025-11-04. Review status: criteria provided, single submitter. Criteria: Invitae Variant Classification Sherloc (09022015). Collection method: clinical testing. Allele origin: germline.
Comment: This sequence change replaces alanine, which is neutral and non-polar, with threonine, which is neutral and polar, at codon 137 of the MC1R protein (p.Ala137Thr). The frequency data for this variant in the population databases is considered unreliable, as metrics indicate poor data quality at this position in the gnomAD database. This variant has not been reported in the literature in individuals affected with MC1R-related conditions. ClinVar contains an entry for this variant (Variation ID: 845572). Invitae Evidence Modeling of protein sequence and biophysical properties (such as structural, functional, and spatial information, amino acid conservation, physicochemical variation, residue mobility, and thermodynamic stability) indicates that this missense variant is not expected to disrupt MC1R protein function with a negative predictive value of 80%. In summary, the available evidence is currently insufficient to determine the role of this variant in disease. Therefore, it has been classified as a Variant of Uncertain Significance.